The following is an entry in ClinVar:

ClinVar aggregate classification (germline): Uncertain significance. Review status: criteria provided, multiple submitters, no conflicts (2 of 4 stars). 2 submissions from 2 submitters: Uncertain significance (2). Last evaluated 2025-10-02.

Conditions:
Age related macular degeneration 4. Identifiers: MedGen C1853147, MONDO:0012540, OMIM 610698.

Submissions (2):

Genomenon, Inc
Classification: Uncertain significance for Age related macular degeneration 4. Last evaluated: 2025-10-02. Review status: criteria provided, single submitter. Criteria: Genomenon Sequence Variant Interpretation Standards - Updated. Collection method: curation. Allele origin: germline. Affected: yes.
Comment: CFH p.Cys385Arg (c.1153T>C) is a missense variant that changes the amino acid at residue 385 from Cysteine to Arginine. This variant has been observed in at least one proband affected with age-related macular degeneration (PMID:34508573). Functional studies have been reported (PMID:34508573). It is absent or not present at a significant frequency in gnomAD. In silico models agree that this variant is possibly or probably damaging. In conclusion, we classify CFH p.Cys385Arg (c.1153T>C) as a variant of uncertain significance.

Blueprint Genetics
Classification: Uncertain significance. Last evaluated: 2024-03-28. Review status: criteria provided, single submitter. Criteria: ACMG Guidelines, 2015. Collection method: clinical testing. Allele origin: germline.

Literature cited by the submitters: PubMed 34508573 (cited by Genomenon, Inc).

NM_000186.4(CFH):c.1153T>C (p.Cys385Arg)

Gene: CFH (complement factor H; plus strand). Cytogenetic location: 1q31.3.
Variant type: single nucleotide variant.
Coding change: c.1153T>C on transcript NM_000186.4 (MANE Select); coding-DNA position 1153, T replaced by C.
Protein change: p.Cys385Arg; replaces cysteine 385 with arginine.
Molecular consequence: missense variant.
Genome position (GRCh38, 1-based): chr1:196,689,608, T>C. VCF-style: chr1-196689608-T-C. GRCh37 (hg19) VCF-style: chr1-196658738-T-C.
Other names: c.1153T>C, p.Cys385Arg (NM_001014975.3); short protein forms C385R.
Identifiers: ClinVar variation 4291366 (VCV004291366.2).